The following is an entry in ClinVar:

NM_032387.5(WNK4):c.2029C>T (p.Arg677Trp)

Gene: WNK4 (WNK lysine deficient protein kinase 4; plus strand). Cytogenetic location: 17q21.2.
Variant type: single nucleotide variant.
Coding change: c.2029C>T on transcript NM_032387.5 (MANE Select); coding-DNA position 2029, C replaced by T.
Protein change: p.Arg677Trp; replaces arginine 677 with tryptophan.
Molecular consequence: missense variant.
Genome position (GRCh38, 1-based): chr17:42,788,396, C>T. VCF-style: chr17-42788396-C-T. GRCh37 (hg19) VCF-style: chr17-40940414-C-T.
Other names: p.Arg677Trp; c.1021C>T, p.Arg341Trp (NM_001321299.2); short protein forms R677W, R341W.
Identifiers: ClinVar variation 891832 (VCV000891832.13), dbSNP rs9896991, ClinGen allele CA8584188.

ClinVar aggregate classification (germline): Benign/Likely benign. Review status: criteria provided, multiple submitters, no conflicts (2 of 4 stars). 6 submissions from 6 submitters: Benign (4); Likely benign (1). 1 of the submissions does not count toward it. Last evaluated 2026-02-01.

Conditions:
WNK4-related disorder. Also called: WNK4-related condition.
Pseudohypoaldosteronism type 2B (PHA2B). Also called: Pseudohypoaldosteronism Type IIB. Identifiers: Orphanet 757, Orphanet 88939, MedGen C1840390, MONDO:0013777, OMIM 614491.

Allele frequency attached by ClinVar (database versions not stated): gnomAD exomes 0.00094 and 0.00256; ExAC 0.00311; gnomAD 0.00975 and 0.01047; 1000 Genomes Project 0.01038; TOPMed 0.01093; ESP Exome Variant Server 0.01099; 1000 Genomes Project 30x 0.01156.
gnomAD v4.1: 2,926 of 1,612,560 alleles (0.18%); highest among the groups gnomAD compares: African/African-American, 3.4%; 54 homozygotes.

Submissions (6):

Labcorp Genetics (formerly Invitae), Labcorp
Classification: Benign. Last evaluated: 2026-02-01. Review status: criteria provided, single submitter. Criteria: Invitae Variant Classification Sherloc (09022015). Collection method: clinical testing. Allele origin: germline.

Mayo Clinic Laboratories, Mayo Clinic
Classification: Benign. Last evaluated: 2023-06-09. Review status: criteria provided, single submitter. Criteria: ACMG Guidelines, 2015. Collection method: clinical testing. Allele origin: germline. Observed: 3 variant alleles.
Comment: BS1, BS2, BP4

Fulgent Genetics
Classification: Likely benign for Pseudohypoaldosteronism type 2B. Last evaluated: 2022-04-26. Review status: criteria provided, single submitter. Criteria: ACMG Guidelines, 2015. Collection method: clinical testing. Allele origin: unknown.

Illumina Laboratory Services, Illumina
Classification: Benign for Pseudohypoaldosteronism type 2B. Last evaluated: 2018-01-12. Review status: criteria provided, single submitter. Criteria: ICSL Variant Classification Criteria 13 December 2019. Collection method: clinical testing. Allele origin: germline.
Comment: This variant was observed in the ICSL laboratory as part of a predisposition screen in an ostensibly healthy population. It had not been previously curated by ICSL or reported in the Human Gene Mutation Database (HGMD: prior to June 1st, 2018), and was therefore a candidate for classification through an automated scoring system. Utilizing variant allele frequency, disease prevalence and penetrance estimates, and inheritance mode, an automated score was calculated to assess if this variant is too frequent to cause the disease. Based on the score and internal cut-off values, a variant classified as benign is not then subjected to further curation. The score for this variant resulted in a classification of benign for this disease.

Breakthrough Genomics
Classification: Benign. Review status: criteria provided, single submitter. Criteria: ACMG Guidelines, 2015. Collection method: not provided. Allele origin: germline. Inheritance: Autosomal dominant inheritance. Affected: yes.

PreventionGenetics, part of Exact Sciences
Classification: Benign for WNK4-related condition. Last evaluated: 2019-02-21. Review status: no assertion criteria provided. Collection method: clinical testing. Allele origin: germline. Not counted in ClinVar's aggregate classification.
Comment: This variant is classified as benign based on ACMG/AMP sequence variant interpretation guidelines (Richards et al. 2015 PMID: 25741868, with internal and published modifications).